The following is an entry in ClinVar:

ClinVar aggregate classification (germline): Uncertain significance (1 of 4 stars; one submission).

gnomAD v4.1: 1 of 1,604,302 alleles (0.000062%); highest among the groups gnomAD compares: Non-Finnish European, 0.000085%; no homozygotes.

Submission:

Labcorp Genetics (formerly Invitae), Labcorp
Classification: Uncertain significance. Last evaluated: 2024-05-06. Review status: criteria provided, single submitter. Criteria: Invitae Variant Classification Sherloc (09022015). Collection method: clinical testing. Allele origin: germline.
Comment: This sequence change replaces glutamic acid, which is acidic and polar, with lysine, which is basic and polar, at codon 304 of the GFAP protein (p.Glu304Lys). This variant is not present in population databases (gnomAD no frequency). This variant has not been reported in the literature in individuals affected with GFAP-related conditions. Advanced modeling of protein sequence and biophysical properties (such as structural, functional, and spatial information, amino acid conservation, physicochemical variation, residue mobility, and thermodynamic stability) has been performed at Invitae for this missense variant, however the output from this modeling did not meet the statistical confidence thresholds required to predict the impact of this variant on GFAP protein function. In summary, the available evidence is currently insufficient to determine the role of this variant in disease. Therefore, it has been classified as a Variant of Uncertain Significance.

NM_002055.5(GFAP):c.910G>A (p.Glu304Lys)

Gene: GFAP (glial fibrillary acidic protein; minus strand). Cytogenetic location: 17q21.31.
Variant type: single nucleotide variant.
Coding change: c.910G>A on transcript NM_002055.5 (MANE Select); coding-DNA position 910, G replaced by A.
Protein change: p.Glu304Lys; replaces glutamic acid 304 with lysine.
Molecular consequence: missense variant.
Genome position (GRCh38, 1-based): chr17:44,911,453, C>T on the plus strand (G>A on the coding strand, the complement: GFAP is on the minus strand). VCF-style: chr17-44911453-C-T. GRCh37 (hg19) VCF-style: chr17-42988821-C-T.
Other names: c.910G>A, p.Glu304Lys (NM_001131019.3, NM_001242376.3, NM_001363846.2); short protein forms E304K.
Identifiers: ClinVar variation 2968658 (VCV002968658.3), dbSNP rs2508934458, ClinGen allele CA399844484.